The following is an entry in ClinVar:

ClinVar aggregate classification (germline): Pathogenic. Review status: criteria provided, single submitter (1 of 4 stars). 2 submissions from 2 submitters: Pathogenic (1). 1 of the submissions does not count toward it. Last evaluated 2024-01-29.

Conditions:
Hereditary cancer-predisposing syndrome. Also called: Hereditary neoplastic syndrome; Neoplastic Syndromes, Hereditary; Tumor predisposition; Hereditary Cancer Syndrome. Identifiers: Orphanet 140162, MedGen C0027672, MeSH D009386, MONDO:0015356.

Submissions (2):

Color Diagnostics, LLC DBA Color Health
Classification: Pathogenic for Hereditary cancer-predisposing syndrome. Last evaluated: 2024-01-29. Review status: criteria provided, single submitter. Criteria: ACMG Guidelines, 2015. Collection method: clinical testing. Allele origin: germline.
Comment: This variant inserts 1 nucleotide in exon 12 of the PALB2 gene, creating a frameshift and premature translation stop signal. This variant is expected to result in an absent or non-functional protein product. This variant has been reported in an individual affected with breast cancer (PMID: 31300551). Other truncation variants nearby are reported as disease-causing (ClinVar variation ID: 371971, 126729, 1456864). This variant has not been identified in the general population by the Genome Aggregation Database (gnomAD). Loss of PALB2 function is a known mechanism of disease. Based on the available evidence, this variant is classified as Pathogenic.

Leiden Open Variation Database
Classification: Pathogenic. Last evaluated: 2019-12-23. Review status: no assertion criteria provided. Collection method: curation. Allele origin: germline. Affected: yes. Not counted in ClinVar's aggregate classification.
Comment: Curators: Marc Tischkowitz, Arleen D. Auerbach. Submitter to LOVD: Florentia Fostira.

Literature cited by the submitters: PubMed 31300551 (cited by Color Diagnostics, LLC DBA Color Health and Leiden Open Variation Database).

NM_024675.4(PALB2):c.3255dup (p.Arg1086fs)

Gene: PALB2 (partner and localizer of BRCA2; minus strand). Cytogenetic location: 16p12.2.
Variant type: Duplication.
Coding change: c.3255dup on transcript NM_024675.4 (MANE Select); coding-DNA position 3255, one base duplicated (G; older notation c.3255dupG).
Protein change: p.Arg1086fs; shifts the reading frame from arginine 1086.
Molecular consequence: frameshift variant.
Genome position (GRCh38, 1-based): chr16:23,607,959, C duplicated on the plus strand (G on the coding strand, the reverse complement: PALB2 is on the minus strand). VCF-style (leftmost placement, unchanged base first): chr16-23607958-G-GC. GRCh37 (hg19) VCF-style: chr16-23619279-G-GC.
Other names: short protein forms R1086fs.
Identifiers: ClinVar variation 830200 (VCV000830200.2), dbSNP rs1966510490, ClinGen allele CA916081805.
Genomic context (GRCh38, chr16:23,607,958, plus strand): 5'-TCACACCCACGCTGAGAGTCGTCTTAGGGTTAATCACAATGAGCTGAAACACAGGGCTTC[G>GC]CAACGACTCACTCTCTTTGGCACAGGGATGACTCAGGACAATAAAGAGAAGCCCCTAATT-3'